The following is an entry in ClinVar:

NM_001903.5(CTNNA1):c.793_804del (p.Asp265_Ser268del)

Gene: CTNNA1 (catenin alpha 1; plus strand). Cytogenetic location: 5q31.2.
Variant type: Deletion.
Coding change: c.793_804del on transcript NM_001903.5 (MANE Select); coding-DNA positions 793 to 804, 12 bases deleted (GACGATGCCTCA).
Protein change: p.Asp265_Ser268del.
Molecular consequence: inframe deletion.
Genome position (GRCh38, 1-based): chr5:138,824,734-138,824,745, GACGATGCCTCA deleted; deleting any 12 consecutive bases within chr5:138,824,727-138,824,745 gives the same sequence; the c. name uses the placement nearest the transcript's 3' end. VCF-style (leftmost placement, unchanged base first): chr5-138824726-CTGCCTCAGACGA-C. GRCh37 (hg19) VCF-style: chr5-138160415-CTGCCTCAGACGA-C.
Other names: c.793_804del, p.Asp265_Ser268del (NM_001290307.3, NM_001323982.2, NM_001323983.1 and 3 more transcripts); c.484_495del, p.Asp162_Ser165del (NM_001290309.3); c.424_435del, p.Asp142_Ser145del (NM_001290310.3).
Identifiers: ClinVar variation 649305 (VCV000649305.8), dbSNP rs1581168018, ClinGen allele CA915942659.

ClinVar aggregate classification (germline): Uncertain significance (1 of 4 stars; one submission).

Submission:

Labcorp Genetics (formerly Invitae), Labcorp
Classification: Uncertain significance. Last evaluated: 2018-09-04. Review status: criteria provided, single submitter. Criteria: Invitae Variant Classification Sherloc (09022015). Collection method: clinical testing. Allele origin: germline.
Comment: This variant, c.793_804delGACGATGCCTCA, results in the deletion of 4 amino acids of the CTNNA1 protein (p.Asp265_Ser268del), but otherwise preserves the integrity of the reading frame. This variant is not present in population databases (ExAC no frequency). This variant has not been reported in the literature in individuals with CTNNA1-related disease. Experimental studies and prediction algorithms are not available for this variant, and the functional significance of the affected amino acid(s) is currently unknown. In summary, the available evidence is currently insufficient to determine the role of this variant in disease. Therefore, it has been classified as a Variant of Uncertain Significance.